The following is an entry in ClinVar:

ClinVar aggregate classification (germline): Uncertain significance (1 of 4 stars; one submission).

Submission:

Labcorp Genetics (formerly Invitae), Labcorp
Classification: Uncertain significance. Last evaluated: 2022-04-10. Review status: criteria provided, single submitter. Criteria: Invitae Variant Classification Sherloc (09022015). Collection method: clinical testing. Allele origin: germline.
Comment: Algorithms developed to predict the effect of missense changes on protein structure and function are either unavailable or do not agree on the potential impact of this missense change (SIFT: "Deleterious"; PolyPhen-2: "Probably Damaging"; Align-GVGD: "Class C0"). In summary, the available evidence is currently insufficient to determine the role of this variant in disease. Therefore, it has been classified as a Variant of Uncertain Significance. This variant has not been reported in the literature in individuals affected with ESPN-related conditions. The frequency data for this variant in the population databases is considered unreliable, as metrics indicate poor data quality at this position in the gnomAD database. This sequence change replaces lysine, which is basic and polar, with glutamic acid, which is acidic and polar, at codon 765 of the ESPN protein (p.Lys765Glu).

NM_031475.3(ESPN):c.2293A>G (p.Lys765Glu)

Gene: ESPN (espin; plus strand). Cytogenetic location: 1p36.31.
Variant type: single nucleotide variant.
Coding change: c.2293A>G on transcript NM_031475.3 (MANE Select); coding-DNA position 2293, A replaced by G.
Protein change: p.Lys765Glu; replaces lysine 765 with glutamic acid.
Molecular consequence: missense variant.
Genome position (GRCh38, 1-based): chr1:6,452,064, A>G. VCF-style: chr1-6452064-A-G. GRCh37 (hg19) VCF-style: chr1-6512124-A-G.
Other names: c.2203A>G, p.Lys735Glu (NM_001367473.1); c.2230A>G, p.Lys744Glu (NM_001367474.1); short protein forms K735E, K744E, K765E.
Identifiers: ClinVar variation 2124306 (VCV002124306.4), dbSNP rs1266478961, ClinGen allele CA338100170.